The following is an entry in ClinVar:

ClinVar aggregate classification (germline): Pathogenic/Likely pathogenic. Review status: criteria provided, multiple submitters, no conflicts (2 of 4 stars). 2 submissions from 2 submitters: Pathogenic (1); Likely pathogenic (1). Last evaluated 2025-12-15.

Conditions:
DAG1-related disorder. Also called: DAG1-related condition.
Autosomal recessive limb-girdle muscular dystrophy type 2P. Also called: Limb-Girdle Muscular Dystrophy Type 9C; MUSCULAR DYSTROPHY, LIMB-GIRDLE, TYPE 2P; MUSCULAR DYSTROPHY-DYSTROGLYCANOPATHY, LIMB-GIRDLE, DAG1-RELATED. Identifiers: Orphanet 280333, MedGen C4511963, MONDO:0013440, OMIM 613818.
Muscular dystrophy-dystroglycanopathy (congenital with brain and eye anomalies), type A9. Also called: WALKER-WARBURG SYNDROME OR MUSCLE-EYE BRAIN DISEASE, DAG1-RELATED; Muscular dystrophy-dystroglycanopathy (congenital with brain and eye anomalies), type a, 9. Identifiers: Orphanet 370997, Orphanet 899, MedGen C4225291, MONDO:0014683, OMIM 616538.

Submissions (2):

Labcorp Genetics (formerly Invitae), Labcorp
Classification: Pathogenic for Autosomal recessive limb-girdle muscular dystrophy type 2P; Muscular dystrophy-dystroglycanopathy (congenital with brain and eye anomalies), type A9. Last evaluated: 2025-12-15. Review status: criteria provided, single submitter. Criteria: Invitae Variant Classification Sherloc (09022015). Collection method: clinical testing. Allele origin: germline.
Comment: This sequence change creates a premature translational stop signal (p.Trp110*) in the DAG1 gene. While this is not anticipated to result in nonsense mediated decay, it is expected to disrupt the last 786 amino acid(s) of the DAG1 protein. This variant is not present in population databases (gnomAD no frequency). This variant has not been reported in the literature in individuals affected with DAG1-related conditions. ClinVar contains an entry for this variant (Variation ID: 958922). This variant disrupts a region of the DAG1 protein in which other variant(s) (p.Ala248Glufs*19) have been determined to be pathogenic (PMID: 25934851, 29337005). This suggests that this is a clinically significant region of the protein, and that variants that disrupt it are likely to be disease-causing. For these reasons, this variant has been classified as Pathogenic.

Blueprint Genetics
Classification: Likely pathogenic for DAG1-related disorders. Last evaluated: 2023-05-04. Review status: criteria provided, single submitter. Criteria: ACMG Guidelines, 2015. Collection method: clinical testing. Allele origin: germline. Affected: yes. Observed: 2 variant alleles.

Literature cited by the submitters: PubMed 25934851 (cited by Labcorp Genetics (formerly Invitae), Labcorp); PubMed 29337005 (cited by Labcorp Genetics (formerly Invitae), Labcorp).

NM_004393.6(DAG1):c.330G>A (p.Trp110Ter)

Gene: DAG1 (dystroglycan 1; plus strand). Cytogenetic location: 3p21.31.
Variant type: single nucleotide variant.
Coding change: c.330G>A on transcript NM_004393.6 (MANE Select); coding-DNA position 330, G replaced by A.
Protein change: p.Trp110Ter; replaces tryptophan 110 with a stop codon.
Molecular consequence: nonsense.
Genome position (GRCh38, 1-based): chr3:49,530,841, G>A. VCF-style: chr3-49530841-G-A. GRCh37 (hg19) VCF-style: chr3-49568274-G-A.
Other names: c.330G>A, p.Trp110Ter (NM_001177639.3, NM_001177640.3, NM_001177641.3 and 9 more transcripts); short protein forms W110*.
Identifiers: ClinVar variation 958922 (VCV000958922.8), dbSNP rs2051320206, ClinGen allele CA352793085.